The following is an entry in ClinVar:

ClinVar aggregate classification (germline): Benign. Review status: criteria provided, multiple submitters, no conflicts (2 of 4 stars). 2 submissions from 2 submitters: Benign (2). Last evaluated 2018-06-14.

Allele frequency attached by ClinVar (database versions not stated): 1000 Genomes Project 0.50100; 1000 Genomes Project 30x 0.50515; TOPMed 0.61349; gnomAD 0.62077 and 0.62645; gnomAD exomes 0.67547.
gnomAD v4.1: 1,005,626 of 1,500,636 alleles (67%); highest among the groups gnomAD compares: Middle Eastern, 80%; 344,247 homozygotes.

Submissions (2):

GeneDx
Classification: Benign. Last evaluated: 2018-06-14. Review status: criteria provided, single submitter. Criteria: GeneDx Variant Classification (06012015). Collection method: clinical testing. Allele origin: germline. Affected: yes.
Comment: This variant is considered likely benign or benign based on one or more of the following criteria: it is a conservative change, it occurs at a poorly conserved position in the protein, it is predicted to be benign by multiple in silico algorithms, and/or has population frequency not consistent with disease.

Breakthrough Genomics
Classification: Benign. Review status: criteria provided, single submitter. Criteria: ACMG Guidelines, 2015. Collection method: not provided. Allele origin: germline. Inheritance: Autosomal dominant inheritance. Affected: yes.

NM_014000.3(VCL):c.2131+64C>T

Gene: VCL (vinculin; plus strand). Cytogenetic location: 10q22.2.
Variant type: single nucleotide variant.
Coding change: c.2131+64C>T on transcript NM_014000.3 (MANE Select); 64 bases into the intron after coding-DNA position 2131, C replaced by T.
Molecular consequence: intron variant.
Genome position (GRCh38, 1-based): chr10:74,103,992, C>T. VCF-style: chr10-74103992-C-T. GRCh37 (hg19) VCF-style: chr10-75863750-C-T.
Other names: c.2131+64C>T (NM_003373.4).
Identifiers: ClinVar variation 671231 (VCV000671231.2), dbSNP rs2270552, ClinGen allele CA13354365.